The following is an entry in ClinVar:

NM_033215.5(PPP1R3F):c.664C>T (p.Leu222Phe)

Gene: PPP1R3F (protein phosphatase 1 regulatory subunit 3F; plus strand). Cytogenetic location: Xp11.23.
Variant type: single nucleotide variant.
Coding change: c.664C>T on transcript NM_033215.5 (MANE Select); coding-DNA position 664, C replaced by T.
Protein change: p.Leu222Phe; replaces leucine 222 with phenylalanine.
Molecular consequence: missense variant. On other transcripts: intron variant (1).
Genome position (GRCh38, 1-based): chrX:49,270,533, C>T. VCF-style: chrX-49270533-C-T. GRCh37 (hg19) VCF-style: chrX-49126996-C-T.
Other names: c.-32+600C>T (NM_001184745.2); short protein forms L222F.
Identifiers: ClinVar variation 5027229 (VCV005027229.1).

ClinVar aggregate classification (germline): Uncertain significance (1 of 4 stars; one submission).

gnomAD v4.1: 7 of 1,204,161 alleles (0.00058%); highest among the groups gnomAD compares: South Asian, 0.011%; no homozygotes.

Submission:

Ambry Genetics
Classification: Uncertain significance. Last evaluated: 2026-08-27. Review status: criteria provided, single submitter. Criteria: Ambry Variant Classification Scheme 2023. Collection method: clinical testing. Allele origin: germline.
Comment: The c.664C>T (p.L222F) alteration is located in exon 1 (coding exon 1) of the PPP1R3F gene. This alteration results from a C to T substitution at nucleotide position 664, causing the leucine (L) at amino acid position 222 to be replaced by a phenylalanine (F). Based on data from gnomAD, the T allele has an overall frequency of 0.001% (2/161158) total alleles studied. The highest observed frequency was 0.008% (1/13035) of East Asian alleles. Based on insufficient or conflicting evidence, the clinical significance of this alteration remains unclear.